The following is an entry in ClinVar:

ClinVar aggregate classification (germline): Uncertain significance. Review status: criteria provided, multiple submitters, no conflicts (2 of 4 stars). 4 submissions from 4 submitters: Uncertain significance (4). Last evaluated 2026-07-01.

Conditions:
Hereditary cancer-predisposing syndrome. Also called: Tumor predisposition; Hereditary Cancer Syndrome; Hereditary neoplastic syndrome; Neoplastic Syndromes, Hereditary. Identifiers: Orphanet 140162, MedGen C0027672, MeSH D009386, MONDO:0015356.
Hereditary nonpolyposis colorectal neoplasms. Identifiers: MedGen C0009405, MeSH D003123.
Endometrial carcinoma. Also called: Endometrial carcinoma, somatic. Identifiers: MedGen C0476089, MONDO:0002447, OMIM 608089, HP:0012114.

Allele frequency attached by ClinVar (database versions not stated): gnomAD exomes 0.00001.

Submissions (4):

Ambry Genetics
Classification: Uncertain significance for Hereditary cancer-predisposing syndrome. Last evaluated: 2026-07-01. Review status: criteria provided, single submitter. Criteria: Ambry Variant Classification Scheme 2023. Collection method: clinical testing. Allele origin: germline.
Comment: The p.L832P variant (also known as c.2495T>C), located in coding exon 4 of the MSH6 gene, results from a T to C substitution at nucleotide position 2495. The leucine at codon 832 is replaced by proline, an amino acid with similar properties. This amino acid position is conserved. In addition, this alteration is predicted to be deleterious by in silico analysis. Based on the available evidence, the clinical significance of this variant remains unclear.

Labcorp Genetics (formerly Invitae), Labcorp
Classification: Uncertain significance for Hereditary nonpolyposis colorectal neoplasms. Last evaluated: 2025-01-26. Review status: criteria provided, single submitter. Criteria: Invitae Variant Classification Sherloc (09022015). Collection method: clinical testing. Allele origin: germline.
Comment: This sequence change replaces leucine, which is neutral and non-polar, with proline, which is neutral and non-polar, at codon 832 of the MSH6 protein (p.Leu832Pro). This variant is not present in population databases (gnomAD no frequency). This variant has not been reported in the literature in individuals affected with MSH6-related conditions. ClinVar contains an entry for this variant (Variation ID: 1039364). Invitae Evidence Modeling of protein sequence and biophysical properties (such as structural, functional, and spatial information, amino acid conservation, physicochemical variation, residue mobility, and thermodynamic stability) indicates that this missense variant is not expected to disrupt MSH6 protein function with a negative predictive value of 95%. In summary, the available evidence is currently insufficient to determine the role of this variant in disease. Therefore, it has been classified as a Variant of Uncertain Significance.

Color Diagnostics, LLC DBA Color Health
Classification: Uncertain significance for Hereditary cancer-predisposing syndrome. Last evaluated: 2024-09-24. Review status: criteria provided, single submitter. Criteria: ACMG Guidelines, 2015. Collection method: clinical testing. Allele origin: germline.
Comment: This missense variant replaces leucine with proline at codon 832 of the MSH6 protein. Computational prediction is inconclusive regarding the impact of this variant on protein structure and function (internally defined REVEL score threshold 0.5 < inconclusive < 0.7, PMID: 27666373). To our knowledge, functional studies have not been reported for this variant. This variant has not been reported in individuals affected with MSH6-related disorders in the literature. This variant has not been identified in the general population by the Genome Aggregation Database (gnomAD). The available evidence is insufficient to determine the role of this variant in disease conclusively. Therefore, this variant is classified as a Variant of Uncertain Significance.

Baylor Genetics
Classification: Uncertain significance for Endometrial carcinoma. Last evaluated: 2024-03-07. Review status: criteria provided, single submitter. Criteria: ACMG Guidelines, 2015. Collection method: clinical testing. Allele origin: unknown.

NM_000179.3(MSH6):c.2495T>C (p.Leu832Pro)

Gene: MSH6 (mutS homolog 6; plus strand). Cytogenetic location: 2p16.3.
Variant type: single nucleotide variant.
Coding change: c.2495T>C on transcript NM_000179.3 (MANE Select); coding-DNA position 2495, T replaced by C.
Protein change: p.Leu832Pro; replaces leucine 832 with proline.
Molecular consequence: missense variant.
Genome position (GRCh38, 1-based): chr2:47,800,478, T>C. VCF-style: chr2-47800478-T-C. GRCh37 (hg19) VCF-style: chr2-48027617-T-C.
Other names: c.2105T>C, p.Leu702Pro (NM_001281492.2); c.1589T>C, p.Leu530Pro (NM_001281493.2, NM_001281494.2); c.2495T>C (NM_000179.2); short protein forms L530P, L702P, L832P.
Identifiers: ClinVar variation 1039364 (VCV001039364.14), dbSNP rs1396036269, ClinGen allele CA346754225.
Genomic context (GRCh38, chr2:47,800,478, plus strand): 5'-TAAAGAAGCTTCCAGATCTTGAGAGGCTACTCAGTAAAATTCATAATGTTGGGTCTCCCC[T>C]GAAGAGTCAGAACCACCCAGACAGCAGGGCTATAATGTATGAAGAAACTACATACAGCAA-3'
Protein context (NP_000170.1, residues 822-842): LSKIHNVGSP[Leu832Pro]KSQNHPDSRA